The following is an entry in ClinVar:

ClinVar aggregate classification (germline): Pathogenic (0 of 4 stars; one submission).

Conditions:
Malignant tumor of breast. Also called: Malignant breast neoplasm; Cancer breast. Identifiers: MedGen C0006142, MONDO:0007254. Disease mechanism: loss of function.

Submission:

Department of Pathology and Laboratory Medicine, Sinai Health System
Classification: Pathogenic for Malignant tumor of breast. Review status: no assertion criteria provided. Collection method: clinical testing. Allele origin: unknown. Affected: yes. Study: The Canadian Open Genetics Repository (COGR).
Comment: The BRCA1 p.Asn1075Lysfs*10 variant was not identified in the literature nor was it identified in the dbSNP, ClinVar, LOVD 3.0, or UMD-LSDB, databases. The variant was not identified in the following control databases: the Exome Aggregation Consortium (August 8th 2016), or the Genome Aggregation Database (Feb 27, 2017). The c.3225_3226del variant is predicted to cause a frameshift, which alters the protein's amino acid sequence beginning at codon 1075 and leads to a premature stop codon at position 1084. This alteration is then predicted to result in a truncated or absent protein and loss of function. Loss of function variants of the BRCA1 gene are an established mechanism of disease in BRCA1 associated cancers and is the type of variant expected to cause the disorder. In summary, based on the above information this variant meets our laboratoryâ€šÃ„Ã´s criteria to be classified as pathogenic.

NM_007294.4(BRCA1):c.3225_3226del (p.Asn1075fs)

Genes: BRCA1 (BRCA1 DNA repair associated; minus strand), LOC126862571 (BRD4-independent group 4 enhancer GRCh37_chr17:41243136-41244335; plus strand). Cytogenetic location: 17q21.31.
Variant type: Deletion.
Coding change: c.3225_3226del on transcript NM_007294.4 (MANE Select); coding-DNA positions 3225 to 3226, 2 bases deleted (CA; older notation c.3225_3226delCA).
Protein change: p.Asn1075fs; shifts the reading frame from asparagine 1075.
Molecular consequence: frameshift variant. On other transcripts: intron variant (137).
Genome position (GRCh38, 1-based): chr17:43,092,305-43,092,306, TG deleted on the plus strand (CA on the coding strand, the reverse complement: BRCA1 is on the minus strand); deleting any 2 consecutive bases within chr17:43,092,305-43,092,307 gives the same sequence; the c. name uses the placement nearest the transcript's 3' end. VCF-style (leftmost placement, unchanged base first): chr17-43092304-CTG-C. GRCh37 (hg19) VCF-style: chr17-41244321-CTG-C.
Other names: c.3102_3103del, p.Asn1034fs (NM_001407681.1, NM_001407682.1, NM_001407683.1 and 19 more transcripts); c.3222_3223del, p.Asn1074fs (NM_001407638.1, NM_001407644.1, NM_001407645.1 and 22 more transcripts); c.3081_3082del, p.Asn1027fs (NM_001407747.1, NM_001407748.1, NM_001407749.1 and 20 more transcripts); c.3225_3226del, p.Asn1075fs (NM_001407639.1, NM_001407640.1, NM_001407684.1 and 30 more transcripts); c.3084_3085del, p.Asn1028fs (NM_001407750.1, NM_001407751.1, NM_001407752.1 and 29 more transcripts); c.3099_3100del, p.Asn1033fs (NM_001407685.1, NM_001407686.1, NM_001407687.1 and 11 more transcripts); c.3216_3217del, p.Asn1072fs (NM_001407646.1, NM_001407647.1); c.3147_3148del, p.Asn1049fs (NM_001407653.1, NM_001407654.1, NM_001407655.1 and 4 more transcripts); and 41 more; short protein forms N1028fs, N1075fs, N1074fs, N907fs, N963fs, N986fs, N987fs, N1005fs.
Identifiers: ClinVar variation 1050776 (VCV001050776.2), dbSNP rs2154335955, ClinGen allele CA2499224477.
Genomic context (GRCh38, chr17:43,092,304, plus strand): 5'-TGTTTATAGACCTCAGGTTGCAAAACCCCTAATCTAAGCATAGCATTCAATTTTGGCCCT[CTG>C]TTTCTACCTAGTTCTGCTTGAATGTTTTCATCACTGGAACCTATTTCATTAATACTGGAG-3'